The following is an entry in ClinVar:

ClinVar aggregate classification (germline): Conflicting classifications of pathogenicity. Review status: criteria provided, conflicting classifications (1 of 4 stars). 2 submissions from 2 submitters: Likely pathogenic (1); Uncertain significance (1). Last evaluated 2017-09-01.

Conditions:
X-linked cerebral-cerebellar-coloboma syndrome syndrome. Also called: Cerebral-cerebellar-coloboma syndrome, X-linked. Identifiers: Orphanet 163961, MedGen C3275487, MONDO:0010464, OMIM 300864.
Neurodegeneration with brain iron accumulation 5 (NBIA5). Also called: Beta-propeller protein-associated neurodegeneration; STATIC ENCEPHALOPATHY OF CHILDHOOD WITH NEURODEGENERATION IN ADULTHOOD. Identifiers: Orphanet 329284, MedGen C3550973, MONDO:0010476, OMIM 300894.

Submissions (2):

Baylor Genetics
Classification: Uncertain significance for X-linked cerebral-cerebellar-coloboma syndrome syndrome. Last evaluated: 2017-09-01. Review status: criteria provided, single submitter. Criteria: ACMG Guidelines, 2015. Collection method: clinical testing. Allele origin: de novo. Inheritance: X-linked inheritance. Affected: yes.

Molecular Genetics Pathology Laboratory, University Of Arkansas for Medical Sciences
Classification: Likely pathogenic for Beta-Propeller protein-associated Neurodegeneration. Last evaluated: 2015-05-20. Review status: criteria provided, single submitter. Criteria: ACMG Guidelines, 2015. Collection method: clinical testing. Allele origin: maternal, unknown. Inheritance: X-linked inheritance. Affected: yes and no. Observed: 2 heterozygotes, 1 hemizygote, 1 mosaic individual. Clinical features observed: Intellectual disability, seizures, Asymptomatic. Segregation with disease observed.
Comment: The c.161_163delTGG change is a previously unreported in-frame deletion that results in a deletion of a valine amino acid at codon 54 (p.Val54del). This residue is conserved across mammals, and the variant was not observed in approximately 6500 individuals of European and African American ancestry in the NHLBI Exome Sequencing Project and was absent in the Exome Aggregation Consortium (ExAC) database. One other patient with BPAN has been previously reported to have an in-frame deletion in the WDR45 gene (c.752_754del, p.Ser251del).

Variant segregated with phenotype

Literature cited by the submitters: PubMed 25326635 (cited by Baylor Genetics); PubMed 23176820 (cited by Molecular Genetics Pathology Laboratory, University Of Arkansas for Medical Sciences); PubMed 23687123 (cited by Molecular Genetics Pathology Laboratory, University Of Arkansas for Medical Sciences); PubMed 23435086 (cited by Molecular Genetics Pathology Laboratory, University Of Arkansas for Medical Sciences); PubMed 24368176 (cited by Molecular Genetics Pathology Laboratory, University Of Arkansas for Medical Sciences); PubMed 26577041 (cited by Molecular Genetics Pathology Laboratory, University Of Arkansas for Medical Sciences).

NM_001029896.2(WDR45):c.158TGG[1] (p.Val54del)

Genes: WDR45 (WD repeat domain 45; minus strand), LOC126863256 (BRD4-independent group 4 enhancer GRCh37_chrX:48934848-48936047; plus strand). Cytogenetic location: Xp11.23.
Variant type: Microsatellite.
Coding change: c.158TGG[1] on transcript NM_001029896.2 (MANE Select); one copy of the 3-base unit TGG starting at c.158; the reference has two copies in a row; one copy, 3 bases deleted.
Protein change: p.Val54del; deletes valine 54.
Molecular consequence: inframe deletion.
Genome position (GRCh38, 1-based): chrX:49,077,715-49,077,717, CCA deleted on the plus strand (TGG on the coding strand, the reverse complement: WDR45 is on the minus strand); deleting any 3 consecutive bases within chrX:49,077,715-49,077,720 gives the same sequence; the position shown is the placement nearest the transcript's 3' end. VCF-style (leftmost placement, unchanged base first): chrX-49077714-TCCA-T. GRCh37 (hg19) VCF-style: chrX-48935373-TCCA-T.
Other names: c.161_163delTGG (NM_007075.3); c.158TGG[1], p.Val54del (NM_007075.4); short protein forms V54del.
Identifiers: ClinVar variation 218903 (VCV000218903.3), dbSNP rs864309661, ClinGen allele CA278766.